The following is an entry in ClinVar:

ClinVar aggregate classification (germline): Uncertain significance (1 of 4 stars; one submission).

Submission:

Labcorp Genetics (formerly Invitae), Labcorp
Classification: Uncertain significance. Last evaluated: 2023-10-13. Review status: criteria provided, single submitter. Criteria: Invitae Variant Classification Sherloc (09022015). Collection method: clinical testing. Allele origin: germline.
Comment: This sequence change replaces serine, which is neutral and polar, with arginine, which is basic and polar, at codon 623 of the C2 protein (p.Ser623Arg). This variant is not present in population databases (gnomAD no frequency). This variant has not been reported in the literature in individuals affected with C2-related conditions. ClinVar contains an entry for this variant (Variation ID: 1972054). Advanced modeling of protein sequence and biophysical properties (such as structural, functional, and spatial information, amino acid conservation, physicochemical variation, residue mobility, and thermodynamic stability) performed at Invitae indicates that this missense variant is not expected to disrupt C2 protein function. In summary, the available evidence is currently insufficient to determine the role of this variant in disease. Therefore, it has been classified as a Variant of Uncertain Significance.

NM_000063.6(C2):c.1869C>A (p.Ser623Arg)

Gene: C2 (complement C2; plus strand). Cytogenetic location: 6p21.33.
Variant type: single nucleotide variant.
Coding change: c.1869C>A on transcript NM_000063.6 (MANE Select); coding-DNA position 1869, C replaced by A.
Protein change: p.Ser623Arg; replaces serine 623 with arginine.
Molecular consequence: missense variant.
Genome position (GRCh38, 1-based): chr6:31,944,193, C>A. VCF-style: chr6-31944193-C-A. GRCh37 (hg19) VCF-style: chr6-31911970-C-A.
Other names: c.1473C>A, p.Ser491Arg (NM_001145903.3); c.1227C>A, p.Ser409Arg (NM_001178063.3); c.1131C>A, p.Ser377Arg (NM_001282457.2); c.1782C>A, p.Ser594Arg (NM_001282458.2); short protein forms S409R, S491R, S594R, S623R, S377R.
Identifiers: ClinVar variation 1972054 (VCV001972054.5), dbSNP rs1314095416, ClinGen allele CA363383055.